The following is an entry in ClinVar:

ClinVar aggregate classification (germline): Uncertain significance (1 of 4 stars; one submission).

Conditions:
Epilepsy, familial focal, with variable foci 3 (FFEVF3). Identifiers: MedGen C4310708, MONDO:0014925, OMIM 617118.

Allele frequency attached by ClinVar (database versions not stated): gnomAD exomes below 0.00001; gnomAD 0.00001.
gnomAD v4.1: 4 of 1,603,834 alleles (0.00025%); highest among the groups gnomAD compares: Non-Finnish European, 0.00034%; no homozygotes.

Submission:

Labcorp Genetics (formerly Invitae), Labcorp
Classification: Uncertain significance for Epilepsy, familial focal, with variable foci 3. Last evaluated: 2022-08-16. Review status: criteria provided, single submitter. Criteria: Invitae Variant Classification Sherloc (09022015). Collection method: clinical testing. Allele origin: germline.
Comment: This variant is present in population databases (no rsID available, gnomAD 0.007%). This sequence change falls in intron 6 of the NPRL3 gene. It does not directly change the encoded amino acid sequence of the NPRL3 protein. It affects a nucleotide within the consensus splice site. This variant has not been reported in the literature in individuals affected with NPRL3-related conditions. In summary, the available evidence is currently insufficient to determine the role of this variant in disease. Therefore, it has been classified as a Variant of Uncertain Significance. Variants that disrupt the consensus splice site are a relatively common cause of aberrant splicing (PMID: 17576681, 9536098). Experimental studies and prediction algorithms are not available or were not evaluated, and the effect of this variant on mRNA splicing is currently unknown.

Literature cited by the submitters: PubMed 17576681; PubMed 9536098.

NM_001077350.3(NPRL3):c.548-3T>C

Genes: HBA-LCR (alpha-globin locus control region; plus strand), NPRL3 (NPR3 like, GATOR1 complex subunit; minus strand). Cytogenetic location: 16p13.3.
Variant type: single nucleotide variant.
Coding change: c.548-3T>C on transcript NM_001077350.3 (MANE Select); 3 bases into the intron before coding-DNA position 548, T replaced by C.
Molecular consequence: intron variant.
Genome position (GRCh38, 1-based): chr16:110,609, A>G on the plus strand (T>C on the coding strand, the complement: NPRL3 is on the minus strand). VCF-style: chr16-110609-A-G. GRCh37 (hg19) VCF-style: chr16-160607-A-G.
Other names: c.314-3T>C (NM_001243247.2); c.473-3T>C (NM_001243248.2, NM_001243249.2); c.11-3T>C (NM_001039476.3).
Identifiers: ClinVar variation 2182529 (VCV002182529.4), dbSNP rs1234726268, ClinGen allele CA620165734.